The following is an entry in ClinVar:

NM_001365536.1(SCN9A):c.2258G>A (p.Cys753Tyr)

Genes: SCN9A (sodium voltage-gated channel alpha subunit 9; minus strand), SCN1A-AS1 (SCN1A and SCN9A antisense RNA 1; plus strand). Cytogenetic location: 2q24.3.
Variant type: single nucleotide variant.
Coding change: c.2258G>A on transcript NM_001365536.1 (MANE Select); coding-DNA position 2258, G replaced by A.
Protein change: p.Cys753Tyr; replaces cysteine 753 with tyrosine.
Molecular consequence: missense variant.
Genome position (GRCh38, 1-based): chr2:166,280,442, C>T on the plus strand (G>A on the coding strand, the complement: SCN9A is on the minus strand). VCF-style: chr2-166280442-C-T. GRCh37 (hg19) VCF-style: chr2-167136952-C-T.
Other names: c.2225G>A, p.Cys742Tyr (NM_002977.4); short protein forms C742Y, C753Y.
Identifiers: ClinVar variation 1021580 (VCV001021580.10), dbSNP rs376502773, ClinGen allele CA349079613.

ClinVar aggregate classification (germline): Uncertain significance (1 of 4 stars; one submission).

Conditions:
Neuropathy, hereditary sensory and autonomic, type 2A (HSAN2A). Also called: HSAN IIA; MORVAN DISEASE; NEUROPATHY, CONGENITAL SENSORY; NEUROPATHY, HEREDITARY SENSORY RADICULAR, AUTOSOMAL RECESSIVE; NEUROPATHY, HEREDITARY SENSORY, TYPE IIA; NEUROPATHY, PROGRESSIVE SENSORY, OF CHILDREN. Identifiers: Orphanet 970, MedGen C2752089, MONDO:0024309, OMIM 201300.
Generalized epilepsy with febrile seizures plus, type 7 (GEFSP7). Also called: GEFS+, TYPE 7. Identifiers: Orphanet 36387, MedGen C2751778, MONDO:0013470, OMIM 613863.

Allele frequency attached by ClinVar (database versions not stated): TOPMed 0.00001.
gnomAD v4.1: 1 of 1,590,812 alleles (0.000063%); highest among the groups gnomAD compares: Non-Finnish European, 0.000086%; no homozygotes.

Submission:

Labcorp Genetics (formerly Invitae), Labcorp
Classification: Uncertain significance for Neuropathy, hereditary sensory and autonomic, type 2A; Generalized epilepsy with febrile seizures plus, type 7. Last evaluated: 2021-12-21. Review status: criteria provided, single submitter. Criteria: Invitae Variant Classification Sherloc (09022015). Collection method: clinical testing. Allele origin: germline.
Comment: In summary, the available evidence is currently insufficient to determine the role of this variant in disease. Therefore, it has been classified as a Variant of Uncertain Significance. Algorithms developed to predict the effect of missense changes on protein structure and function (SIFT, PolyPhen-2, Align-GVGD) all suggest that this variant is likely to be disruptive. ClinVar contains an entry for this variant (Variation ID: 1021580). This variant has not been reported in the literature in individuals affected with SCN9A-related conditions. This variant is not present in population databases (gnomAD no frequency). This sequence change replaces cysteine, which is neutral and slightly polar, with tyrosine, which is neutral and polar, at codon 742 of the SCN9A protein (p.Cys742Tyr).